The following is an entry in ClinVar:

NM_006908.5(RAC1):c.107+1127A>T

Gene: RAC1 (Rac family small GTPase 1; plus strand). Cytogenetic location: 7p22.1.
Variant type: single nucleotide variant.
Coding change: c.107+1127A>T on transcript NM_006908.5 (MANE Select); 1127 bases into the intron after coding-DNA position 107, A replaced by T.
Molecular consequence: intron variant.
Genome position (GRCh38, 1-based): chr7:6,388,410, A>T. VCF-style: chr7-6388410-A-T. GRCh37 (hg19) VCF-style: chr7-6428041-A-T.
Other names: c.107+1127A>T (NM_018890.4).
Identifiers: ClinVar variation 3778356 (VCV003778356.7).

ClinVar aggregate classification (germline): Likely benign (1 of 4 stars; one submission).

gnomAD v4.1: 305 of 136,940 alleles (0.22%); highest among the groups gnomAD compares: Non-Finnish European, 0.37%; no homozygotes.

Submission:

CeGaT Center for Human Genetics Tuebingen
Classification: Likely benign. Last evaluated: 2025-11-01. Review status: criteria provided, single submitter. Criteria: CeGaT Center For Human Genetics Tuebingen Variant Classification Criteria Version 2. Collection method: clinical testing. Allele origin: germline. Affected: yes. Observed: 3 variant alleles.
Comment: RAC1: BS1